The following is an entry in ClinVar:

ClinVar aggregate classification (germline): Benign/Likely benign. Review status: criteria provided, multiple submitters, no conflicts (2 of 4 stars). 6 submissions from 6 submitters: Benign (1); Likely benign (5). Last evaluated 2025-01-06.

Conditions:
Hereditary cancer-predisposing syndrome. Also called: Neoplastic Syndromes, Hereditary; Tumor predisposition; Hereditary neoplastic syndrome; Hereditary Cancer Syndrome. Identifiers: Orphanet 140162, MedGen C0027672, MeSH D009386, MONDO:0015356.
Classic or attenuated familial adenomatous polyposis. Identifiers: MedGen CN372698, MONDO:0021057.
Familial adenomatous polyposis 1 (FAP1). Also called: POLYPOSIS, ADENOMATOUS INTESTINAL; FAMILIAL ADENOMATOUS POLYPOSIS 1, ATTENUATED. Identifiers: MedGen C2713442, MONDO:0021056, OMIM 175100. Disease mechanism: loss of function.

gnomAD v4.1: 2 of 1,613,972 alleles (0.00012%); highest among the groups gnomAD compares: Admixed American, 0.0017%; no homozygotes.

Submissions (6):

Labcorp Genetics (formerly Invitae), Labcorp
Classification: Likely benign for Familial adenomatous polyposis 1. Last evaluated: 2025-01-06. Review status: criteria provided, single submitter. Criteria: Invitae Variant Classification Sherloc (09022015). Collection method: clinical testing. Allele origin: germline.

All of Us Research Program, National Institutes of Health
Classification: Likely benign for Classic or attenuated familial adenomatous polyposis. Last evaluated: 2024-08-06. Review status: criteria provided, single submitter. Criteria: ACMG Guidelines, 2015. Collection method: clinical testing. Allele origin: germline. Inheritance: Autosomal dominant inheritance. Observed: 1 variant allele, 1 heterozygote.
Comment: This study involves interpretation of variants in research participants for the purpose of population health screening. Participant phenotype was not available at the time of variant classification. Additional details can be found in publication PMID: 35346344, PMCID: PMC8962531

Myriad Genetics, Inc.
Classification: Benign for Familial adenomatous polyposis 1. Last evaluated: 2024-04-09. Review status: criteria provided, single submitter. Criteria: Myriad Autosomal Dominant, Autosomal Recessive and X-Linked Classification Criteria (2023). Collection method: clinical testing. Allele origin: unknown.
Comment: This variant is considered benign. This variant is a silent/synonymous amino acid change and it is not expected to impact splicing.

Women's Health and Genetics/Laboratory Corporation of America, LabCorp
Classification: Likely benign. Last evaluated: 2022-03-11. Review status: criteria provided, single submitter. Criteria: LabCorp Variant Classification Summary - May 2015. Collection method: clinical testing. Allele origin: germline.

Color Diagnostics, LLC DBA Color Health
Classification: Likely benign for Hereditary cancer-predisposing syndrome. Last evaluated: 2019-05-17. Review status: criteria provided, single submitter. Criteria: ACMG Guidelines, 2015. Collection method: clinical testing. Allele origin: germline.

Ambry Genetics
Classification: Likely benign for Hereditary cancer-predisposing syndrome. Last evaluated: 2018-10-24. Review status: criteria provided, single submitter. Criteria: Ambry Variant Classification Scheme 2023. Collection method: clinical testing. Allele origin: germline.

NM_000038.6(APC):c.7491G>T (p.Ser2497=)

Gene: APC (APC regulator of Wnt signaling pathway; plus strand). Cytogenetic location: 5q22.2.
Variant type: single nucleotide variant.
Coding change: c.7491G>T on transcript NM_000038.6 (MANE Select); coding-DNA position 7491, G replaced by T.
Protein change: p.Ser2497=; no amino-acid change (serine 2497 retained).
Molecular consequence: synonymous variant.
Genome position (GRCh38, 1-based): chr5:112,843,085, G>T. VCF-style: chr5-112843085-G-T. GRCh37 (hg19) VCF-style: chr5-112178782-G-T.
Other names: c.7491G>T, p.Ser2497= (NM_001127510.3, NM_001354895.2); c.7437G>T, p.Ser2479= (NM_001127511.3); c.7545G>T, p.Ser2515= (NM_001354896.2); c.7521G>T, p.Ser2507= (NM_001354897.2); c.7416G>T, p.Ser2472= (NM_001354898.2); c.7407G>T, p.Ser2469= (NM_001354899.2); c.7368G>T, p.Ser2456= (NM_001354900.2); c.7314G>T, p.Ser2438= (NM_001354901.2); and 5 more.
Identifiers: ClinVar variation 827081 (VCV000827081.19), dbSNP rs776327733, ClinGen allele CA446210844.